The following is an entry in ClinVar:

ClinVar aggregate classification (germline): Uncertain significance (1 of 4 stars; one submission).

gnomAD v4.1: 18 of 1,613,192 alleles (0.0011%); highest among the groups gnomAD compares: Admixed American, 0.0067%; no homozygotes.

Submission:

Labcorp Genetics (formerly Invitae), Labcorp
Classification: Uncertain significance. Last evaluated: 2022-06-26. Review status: criteria provided, single submitter. Criteria: Invitae Variant Classification Sherloc (09022015). Collection method: clinical testing. Allele origin: germline.
Comment: This sequence change replaces arginine, which is basic and polar, with serine, which is neutral and polar, at codon 3230 of the PCLO protein (p.Arg3230Ser). This variant is present in population databases (rs372228421, gnomAD 0.006%). This variant has not been reported in the literature in individuals affected with PCLO-related conditions. Algorithms developed to predict the effect of missense changes on protein structure and function are either unavailable or do not agree on the potential impact of this missense change (SIFT: "Tolerated"; PolyPhen-2: "Not Available"; Align-GVGD: "Class C0"). In summary, the available evidence is currently insufficient to determine the role of this variant in disease. Therefore, it has been classified as a Variant of Uncertain Significance.

NM_033026.6(PCLO):c.9688C>A (p.Arg3230Ser)

Gene: PCLO (piccolo presynaptic cytomatrix protein; minus strand). Cytogenetic location: 7q21.11.
Variant type: single nucleotide variant.
Coding change: c.9688C>A on transcript NM_033026.6 (MANE Select); coding-DNA position 9688, C replaced by A.
Protein change: p.Arg3230Ser; replaces arginine 3230 with serine.
Molecular consequence: missense variant.
Genome position (GRCh38, 1-based): chr7:82,950,900, G>T on the plus strand (C>A on the coding strand, the complement: PCLO is on the minus strand). VCF-style: chr7-82950900-G-T. GRCh37 (hg19) VCF-style: chr7-82580216-G-T.
Other names: c.9688C>A, p.Arg3230Ser (NM_014510.3); short protein forms R3230S.
Identifiers: ClinVar variation 1907117 (VCV001907117.2), dbSNP rs372228421, ClinGen allele CA4319870.
Genomic context (GRCh38, chr7:82,950,900, plus strand): 5'-TTTCTTGTTCTCGGAACCTTTGAATTTCCTGACGTTCCCACTCCAATTCCTCAGCAAAGC[G>T]CTGTTGCTTAATTTTCTCCAGTTCCAGGAGCTCACGCTCCAAGTCTAGCTGCTGCTGTTG-3'
Protein context (NP_149015.2, residues 3220-3240): LLELEKIKQQ[Arg3230Ser]FAEELEWERQ